The following is an entry in ClinVar:

ClinVar aggregate classification (germline): Uncertain significance (1 of 4 stars; one submission).

Submission:

Women's Health and Genetics/Laboratory Corporation of America, LabCorp
Classification: Uncertain significance. Last evaluated: 2025-10-22. Review status: criteria provided, single submitter. Criteria: LabCorp Variant Classification Summary - May 2015. Collection method: clinical testing. Allele origin: germline.
Comment: Variant summary: LRP2 c.8698G>T (p.Gly2900Cys) results in a non-conservative amino acid change in the encoded protein sequence. Algorithms developed to predict the effect of missense changes on protein structure and function all suggest that this variant is likely to be disruptive. Several computational tools predict a significant impact on normal splicing: Two predict the variant abolishes the canonical 5' splicing donor site. Two predict the variant weakens the canonical 5' donor site. However, these predictions have yet to be confirmed by functional studies. The variant was absent in 251358 control chromosomes. The available data on variant occurrences in the general population are insufficient to allow any conclusion about variant significance. To our knowledge, no occurrence of c.8698G>T in individuals affected with LRP2-related conditions and no experimental evidence demonstrating its impact on protein function have been reported. No submitters have cited clinical-significance assessments for this variant to ClinVar. Based on the evidence outlined above, the variant was classified as uncertain significance.

NM_004525.3(LRP2):c.8698G>T (p.Gly2900Cys)

Gene: LRP2 (LDL receptor related protein 2; minus strand). Cytogenetic location: 2q31.1.
Variant type: single nucleotide variant.
Coding change: c.8698G>T on transcript NM_004525.3 (MANE Select); coding-DNA position 8698, G replaced by T.
Protein change: p.Gly2900Cys; replaces glycine 2900 with cysteine.
Molecular consequence: missense variant.
Genome position (GRCh38, 1-based): chr2:169,196,911, C>A on the plus strand (G>T on the coding strand, the complement: LRP2 is on the minus strand). VCF-style: chr2-169196911-C-A. GRCh37 (hg19) VCF-style: chr2-170053421-C-A.
Other names: short protein forms G2900C.
Identifiers: ClinVar variation 4687843 (VCV004687843.1).
Genomic context (GRCh38, chr2:169,196,911, plus strand): 5'-GAAGAGACTGAAGTTGTCTAGCTGCATCGTGATGTTTTTCATGCTTGCTTACTCTCTTAC[C>A]ACAAGAGGCAGGTTCATCAGAGGCATCAAAACAATCTGTTTCTTGATCACAATACCAATG-3'
Protein context (NP_004516.2, residues 2890-2910): FDASDEPASC[Gly2900Cys]HSERTCLADE